The following is an entry in ClinVar:

NM_000400.4(ERCC2):c.1534del (p.Glu512fs)

Gene: ERCC2 (ERCC excision repair 2, TFIIH core complex helicase subunit; minus strand). Cytogenetic location: 19q13.32.
Variant type: Deletion.
Coding change: c.1534del on transcript NM_000400.4 (MANE Select); coding-DNA position 1534, one base deleted (G; older notation c.1534delG).
Protein change: p.Glu512fs; shifts the reading frame from glutamic acid 512.
Molecular consequence: frameshift variant. On other transcripts: non-coding transcript variant (2).
Genome position (GRCh38, 1-based): chr19:45,355,674, C deleted on the plus strand (G on the coding strand, the reverse complement: ERCC2 is on the minus strand); the first of 3 consecutive C bases (chr19:45,355,674-45,355,676); deleting any one gives the same sequence. VCF-style (leftmost placement, unchanged base first): chr19-45355673-TC-T. GRCh37 (hg19) VCF-style: chr19-45858931-TC-T.
Other names: c.1462del, p.Glu488fs (NM_001440355.1); c.1456del, p.Glu486fs (NM_001440356.1); c.1411del, p.Glu471fs (NM_001440357.1); short protein forms E471fs, E486fs, E488fs, E512fs.
Identifiers: ClinVar variation 5015252 (VCV005015252.1).

ClinVar aggregate classification (germline): Pathogenic (1 of 4 stars; one submission).

Conditions:
ERCC2-related disorder. Also called: ERCC2-related conditions; ERCC2-related condition; ERCC2-related disorders. Identifiers: MedGen CN239291.

Submission:

Myriad Genetics, Inc.
Classification: Pathogenic for ERCC2-related disorder. Last evaluated: 2025-11-22. Review status: criteria provided, single submitter. Criteria: Myriad Autosomal Dominant, Autosomal Recessive and X-Linked Classification Criteria (2023). Collection method: clinical testing. Allele origin: unknown.
Comment: NM_000400.3(ERCC2):c.1534delG(E512Rfs*5) is expected to be pathogenic in the context of ERCC2-related disorders. This variant is predicted to lead to an abnormal or absent protein product due to the creation of a premature termination codon in ERCC2, a gene where loss-of-function variants are known to be pathogenic. Please note: this variant was assessed in the context of healthy population screening.